The following is an entry in ClinVar:

ClinVar aggregate classification (germline): Pathogenic. Review status: criteria provided, multiple submitters, no conflicts (2 of 4 stars). 5 submissions from 5 submitters: Pathogenic (5). Last evaluated 2025-05-22.

Conditions:
Inborn genetic diseases. Identifiers: MedGen C0950123, MeSH D030342.

Allele frequency attached by ClinVar (database versions not stated): gnomAD exomes below 0.00001.
gnomAD v4.1: 1 of 1,207,416 alleles (0.000083%); highest among the groups gnomAD compares: Non-Finnish European, 0.00011%; no homozygotes.

Submissions (5):

Labcorp Genetics (formerly Invitae), Labcorp
Classification: Pathogenic. Last evaluated: 2025-05-22. Review status: criteria provided, single submitter. Criteria: Invitae Variant Classification Sherloc (09022015). Collection method: clinical testing. Allele origin: germline.
Comment: This sequence change affects an acceptor splice site in intron 9 of the DDX3X gene. It is expected to disrupt RNA splicing. Variants that disrupt the donor or acceptor splice site typically lead to a loss of protein function (PMID: 16199547), and loss-of-function variants in DDX3X are known to be pathogenic (PMID: 26235985). This variant is not present in population databases (gnomAD no frequency). Disruption of this splice site has been observed in individual(s) with X-linked intellectual disability (PMID: 32135084). In at least one individual the variant was observed to be de novo. ClinVar contains an entry for this variant (Variation ID: 522074). Algorithms developed to predict the effect of sequence changes on RNA splicing suggest that this variant may disrupt the consensus splice site. For these reasons, this variant has been classified as Pathogenic.

GeneDx
Classification: Pathogenic. Last evaluated: 2022-06-08. Review status: criteria provided, single submitter. Criteria: GeneDx Variant Classification Process June 2021. Collection method: clinical testing. Allele origin: germline. Affected: yes.
Comment: Canonical splice site variant predicted to result in a null allele in a gene for which loss-of-function is a known mechanism of disease; Not observed at significant frequency in large population cohorts (gnomAD); This variant is associated with the following publications: (PMID: 26235985, 33993884, 32135084, 27535533)

Clinical Genetics Laboratory, Skane University Hospital Lund
Classification: Pathogenic. Last evaluated: 2022-05-27. Review status: criteria provided, single submitter. Criteria: ACMG Guidelines, 2015. Collection method: clinical testing. Allele origin: germline. Affected: yes.

CeGaT Center for Human Genetics Tuebingen
Classification: Pathogenic. Last evaluated: 2019-03-01. Review status: criteria provided, single submitter. Criteria: CeGaT Center For Human Genetics Tuebingen Variant Classification Criteria Version 2. Collection method: clinical testing. Allele origin: germline. Affected: yes. Observed: 2 variant alleles.

Ambry Genetics
Classification: Pathogenic for Inborn genetic diseases. Last evaluated: 2018-10-02. Review status: criteria provided, single submitter. Criteria: Ambry Variant Classification Scheme 2023. Collection method: clinical testing. Allele origin: germline.
Comment: The c.865-1G>C intronic pathogenic mutation results from a G to C substitution one nucleotide upstream from coding exon 10 of the DDX3X gene. This variant has been determined to be the result of a de novo mutation or germline mosaicism in two families with an isolated case of developmental delay, intellectual disability, and/or hypootnia (Ambry internal data). Different de novo alterations at the same acceptor site (c.865-2A>G and c.865-1G>A) have also been reported in individuals with developmental delay and/or intellectual disability (Snijders Blok L et al. Am. J. Hum. Genet., 2015 Aug;97:343-52; Lelieveld SH et al. Nat. Neurosci., 2016 09;19:1194-6; Wang et al. Ann. Clin. Transl. Neurol. 2018). In addition to the clinical data presented in the literature, alterations that disrupt the canonical splice site are expected to cause aberrant splicing, resulting in an abnormal protein or a transcript that is subject to nonsense-mediated mRNA decay. As such, this alteration is classified as a disease-causing mutation.

Literature cited by the submitters: PubMed 16199547 (cited by Labcorp Genetics (formerly Invitae), Labcorp); PubMed 26235985 (cited by Labcorp Genetics (formerly Invitae), Labcorp and Ambry Genetics); PubMed 32135084 (cited by Labcorp Genetics (formerly Invitae), Labcorp); PubMed 27479843 (cited by Ambry Genetics).

NM_001356.5(DDX3X):c.865-1G>C

Gene: DDX3X (DEAD-box helicase 3 X-linked; plus strand). Cytogenetic location: Xp11.4.
Variant type: single nucleotide variant.
Coding change: c.865-1G>C on transcript NM_001356.5 (MANE Select); the canonical splice acceptor site of the intron before coding-DNA position 865, G replaced by C.
Molecular consequence: splice acceptor variant.
Genome position (GRCh38, 1-based): chrX:41,344,238, G>C. VCF-style: chrX-41344238-G-C. GRCh37 (hg19) VCF-style: chrX-41203491-G-C.
Other names: c.817-1G>C (NM_001193417.2, NM_001193417.3); c.865-1G>C (NM_001193416.3); c.307-1G>C (NM_001363819.1).
Identifiers: ClinVar variation 522074 (VCV000522074.55), dbSNP rs1255183431, ClinGen allele CA412770545.
Genomic context (GRCh38, chrX:41,344,238, plus strand): 5'-ATGTTTTATGAACATGTAAAAATTTTGACCTTGAAGTTCATAACATTTTTTTTGCTTATA[G>C]TTTTCATACCGATCTAGAGTTCGTCCTTGCGTGGTTTATGGTGGTGCCGATATTGGTCAG-3'